The following is an entry in ClinVar:

ClinVar aggregate classification (germline): Likely benign. Review status: criteria provided, multiple submitters, no conflicts (2 of 4 stars). 4 submissions from 4 submitters: Likely benign (4). Last evaluated 2026-01-05.

Conditions:
Hereditary cancer-predisposing syndrome. Also called: Hereditary neoplastic syndrome; Hereditary Cancer Syndrome; Neoplastic Syndromes, Hereditary; Tumor predisposition. Identifiers: Orphanet 140162, MedGen C0027672, MeSH D009386, MONDO:0015356.
Gorlin syndrome. Also called: Nevoid Basal Cell Carcinoma Syndrome; Basal cell nevus syndrome. Identifiers: Orphanet 377, MedGen C0004779, MONDO:0007187.
PTCH1-related disorder. Also called: PTCH1-related disorders; PTCH1-related condition.

Allele frequency attached by ClinVar (database versions not stated): gnomAD 0.00001; gnomAD exomes 0.00001 and 0.00003; ExAC 0.00002; TOPMed 0.00002.
gnomAD v4.1: 8 of 1,611,094 alleles (0.0005%); highest among the groups gnomAD compares: Admixed American, 0.012%; no homozygotes.

Submissions (4):

Labcorp Genetics (formerly Invitae), Labcorp
Classification: Likely benign for Gorlin syndrome. Last evaluated: 2026-01-05. Review status: criteria provided, single submitter. Criteria: Invitae Variant Classification Sherloc (09022015). Collection method: clinical testing. Allele origin: germline.

PreventionGenetics, part of Exact Sciences
Classification: Likely benign for PTCH1-related condition. Last evaluated: 2024-12-09. Review status: criteria provided, single submitter. Criteria: ACMG Guidelines, 2015. Collection method: clinical testing. Allele origin: germline.
Comment: This variant is classified as likely benign based on ACMG/AMP sequence variant interpretation guidelines (Richards et al. 2015 PMID: 25741868, with internal and published modifications).

Quest Diagnostics Nichols Institute San Juan Capistrano
Classification: Likely benign. Last evaluated: 2023-09-14. Review status: criteria provided, single submitter. Criteria: Quest Diagnostics criteria. Collection method: clinical testing. Allele origin: unknown.

Ambry Genetics
Classification: Likely benign for Hereditary cancer-predisposing syndrome. Last evaluated: 2019-01-04. Review status: criteria provided, single submitter. Criteria: Ambry Variant Classification Scheme 2023. Collection method: clinical testing. Allele origin: germline.

NM_000264.5(PTCH1):c.1845A>G (p.Thr615=)

Genes: PTCH1 (patched 1; minus strand), LOC100507346 (uncharacterized LOC100507346; plus strand). Cytogenetic location: 9q22.32.
Variant type: single nucleotide variant.
Coding change: c.1845A>G on transcript NM_000264.5 (MANE Select); coding-DNA position 1845, A replaced by G.
Protein change: p.Thr615=; no amino-acid change (threonine 615 retained).
Molecular consequence: synonymous variant. On other transcripts: non-coding transcript variant (2).
Genome position (GRCh38, 1-based): chr9:95,469,815, T>C on the plus strand (A>G on the coding strand, the complement: PTCH1 is on the minus strand). VCF-style: chr9-95469815-T-C. GRCh37 (hg19) VCF-style: chr9-98232097-T-C.
Other names: c.1845A>G (NM_000264.4); c.1647A>G, p.Thr549= (NM_001083602.3); c.1842A>G, p.Thr614= (NM_001083603.3); c.1392A>G, p.Thr464= (NM_001083604.3, NM_001083605.3, NM_001083606.3 and 1 more transcripts); c.1689A>G, p.Thr563= (NM_001354918.2).
Identifiers: ClinVar variation 524640 (VCV000524640.18), dbSNP rs755882246, ClinGen allele CA5138513.